The following is an entry in ClinVar:

ClinVar aggregate classification (germline): Uncertain significance (1 of 4 stars; one submission).

Conditions:
Early Myoclonic Encephalopathy. Identifiers: MedGen C0270855.

gnomAD v4.1: 6 of 1,613,670 alleles (0.00037%); highest among the groups gnomAD compares: African/African-American, 0.008%; no homozygotes.

Submission:

Labcorp Genetics (formerly Invitae), Labcorp
Classification: Uncertain significance for Early Myoclonic Encephalopathy. Last evaluated: 2022-08-23. Review status: criteria provided, single submitter. Criteria: Invitae Variant Classification Sherloc (09022015). Collection method: clinical testing. Allele origin: germline.
Comment: In summary, the available evidence is currently insufficient to determine the role of this variant in disease. Therefore, it has been classified as a Variant of Uncertain Significance. Algorithms developed to predict the effect of missense changes on protein structure and function (SIFT, PolyPhen-2, Align-GVGD) all suggest that this variant is likely to be tolerated. ClinVar contains an entry for this variant (Variation ID: 1345082). This variant has not been reported in the literature in individuals affected with JMJD1C-related conditions. This variant is present in population databases (no rsID available, gnomAD 0.01%). This sequence change replaces serine, which is neutral and polar, with threonine, which is neutral and polar, at codon 1460 of the JMJD1C protein (p.Ser1460Thr).

NM_032776.3(JMJD1C):c.4379G>C (p.Ser1460Thr)

Gene: JMJD1C (jumonji domain containing 1C; minus strand). Cytogenetic location: 10q21.3.
Variant type: single nucleotide variant.
Coding change: c.4379G>C on transcript NM_032776.3 (MANE Select); coding-DNA position 4379, G replaced by C.
Protein change: p.Ser1460Thr; replaces serine 1460 with threonine.
Molecular consequence: missense variant. On other transcripts: non-coding transcript variant (1).
Genome position (GRCh38, 1-based): chr10:63,207,290, C>G on the plus strand (G>C on the coding strand, the complement: JMJD1C is on the minus strand). VCF-style: chr10-63207290-C-G. GRCh37 (hg19) VCF-style: chr10-64967050-C-G.
Other names: c.3833G>C, p.Ser1278Thr (NM_001282948.2, NM_001318154.2); c.3515G>C, p.Ser1172Thr (NM_001318153.2); c.4265G>C, p.Ser1422Thr (NM_001322252.2); c.3722G>C, p.Ser1241Thr (NM_001322254.2, NM_001322258.2); short protein forms S1460T, S1278T, S1172T, S1241T, S1422T.
Identifiers: ClinVar variation 1345082 (VCV001345082.6), dbSNP rs1337251415, ClinGen allele CA377037753.
Genomic context (GRCh38, chr10:63,207,290, plus strand): 5'-ATAAAATCAGTTGTGCCTGAGAACCCAGAACTGGGTTGAACAACACTTCCTGTCTTACTA[C>G]TGGCTAATGTAACTGGTGCTGTGGTGCTGACCTTGCATTCTTGTTTTTGAGCCACTGGCT-3'
Protein context (NP_116165.1, residues 1450-1470): VSTTAPVTLA[Ser1460Thr]SKTGSVVQPS